The following is an entry in ClinVar:

ClinVar aggregate classification (germline): Uncertain significance (1 of 4 stars; one submission).

Conditions:
Neuroblastoma, susceptibility to, 3. Also called: ALK-Related Neuroblastic Tumor Susceptibility. Identifiers: Orphanet 635, MedGen C2751681, MONDO:0013083, OMIM 613014.

Submission:

Labcorp Genetics (formerly Invitae), Labcorp
Classification: Uncertain significance for Neuroblastoma, susceptibility to, 3. Last evaluated: 2021-08-15. Review status: criteria provided, single submitter. Criteria: Invitae Variant Classification Sherloc (09022015). Collection method: clinical testing. Allele origin: germline.
Comment: In summary, the available evidence is currently insufficient to determine the role of this variant in disease. Therefore, it has been classified as a Variant of Uncertain Significance. Algorithms developed to predict the effect of sequence changes on RNA splicing suggest that this variant may create or strengthen a splice site. Algorithms developed to predict the effect of missense changes on protein structure and function are either unavailable or do not agree on the potential impact of this missense change (SIFT: "Deleterious"; PolyPhen-2: "Possibly Damaging"; Align-GVGD: "Class C0"). This variant has not been reported in the literature in individuals affected with ALK-related conditions. The frequency data for this variant in the population databases is considered unreliable, as metrics indicate insufficient coverage at this position in the ExAC database. This sequence change replaces alanine with glycine at codon 92 of the ALK protein (p.Ala92Gly). The alanine residue is moderately conserved and there is a small physicochemical difference between alanine and glycine.

NM_004304.5(ALK):c.275C>G (p.Ala92Gly)

Gene: ALK (ALK receptor tyrosine kinase; minus strand). Cytogenetic location: 2p23.1.
Variant type: single nucleotide variant.
Coding change: c.275C>G on transcript NM_004304.5 (MANE Select); coding-DNA position 275, C replaced by G.
Protein change: p.Ala92Gly; replaces alanine 92 with glycine.
Molecular consequence: missense variant.
Genome position (GRCh38, 1-based): chr2:29,920,385, G>C on the plus strand (C>G on the coding strand, the complement: ALK is on the minus strand). VCF-style: chr2-29920385-G-C. GRCh37 (hg19) VCF-style: chr2-30143251-G-C.
Other names: short protein forms A92G.
Identifiers: ClinVar variation 1473393 (VCV001473393.6), dbSNP rs1667961757, ClinGen allele CA346590353.